The following is an entry in ClinVar:

NM_021954.4(GJA3):c.199G>C (p.Asp67His)

Gene: GJA3 (gap junction protein alpha 3; minus strand). Cytogenetic location: 13q12.11.
Variant type: single nucleotide variant.
Coding change: c.199G>C on transcript NM_021954.4 (MANE Select); coding-DNA position 199, G replaced by C.
Protein change: p.Asp67His; replaces aspartic acid 67 with histidine.
Molecular consequence: missense variant.
Genome position (GRCh38, 1-based): chr13:20,143,090, C>G on the plus strand (G>C on the coding strand, the complement: GJA3 is on the minus strand). VCF-style: chr13-20143090-C-G. GRCh37 (hg19) VCF-style: chr13-20717229-C-G.
Other names: short protein forms D67H.
Identifiers: ClinVar variation 3253685 (VCV003253685.2), dbSNP rs746892668.

ClinVar aggregate classification (germline): Conflicting classifications of pathogenicity. Review status: criteria provided, conflicting classifications (1 of 4 stars). 2 submissions from 2 submitters: Likely pathogenic (1); Uncertain significance (1). Last evaluated 2025-02-16.

Conditions:
Cataract 14 multiple types. Also called: CATARACT 14, ZONULAR PULVERULENT; CATARACT 14, NUCLEAR PULVERULENT; CATARACT 14, NUCLEAR PULVERULENT AND POSTERIOR POLAR; CATARACT 14, NUCLEAR CORALLIFORM; CATARACT 14, EMBRYONAL NUCLEAR; CATARACT 14, COPPOCK-LIKE. Identifiers: Orphanet 91492, MedGen C1866078, MONDO:0011162, OMIM 601885.

Submissions (2):

Laboratory of Genetics, Children's Clinical University Hospital Latvia
Classification: Likely pathogenic. Last evaluated: 2025-02-16. Review status: criteria provided, single submitter. Criteria: ACMG Guidelines, 2015. Collection method: clinical testing. Allele origin: germline. Affected: yes.

Dept. Genetics and Cancer, Menzies Institute for Medical Research, University of Tasmania
Classification: Uncertain significance for Cataract 14 multiple types. Last evaluated: 2023-01-21. Review status: criteria provided, single submitter. Criteria: ACMG Guidelines, 2015. Collection method: curation. Allele origin: germline. Affected: yes.
Comment: Variant identified and curated during a GJA3 specific review of the literature in relation to pediatric or congenital cataract. ACMG-AMP criteria applied: PM1, PS4(Supporting), PM2(Supporting), PP3. Original variant report: PMID:30076350. Gene review and curation guidelines are outlined in: DOI 10.1080/17469899.2023.2160320

Literature cited by the submitters: PubMed 30076350 (cited by Dept. Genetics and Cancer, Menzies Institute for Medical Research, University of Tasmania).